The following is an entry in ClinVar:

ClinVar aggregate classification (germline): Uncertain significance (1 of 4 stars; one submission).

Conditions:
Retinitis pigmentosa 71 (RP71). Identifiers: Orphanet 791, MedGen C4225342, MONDO:0014618, OMIM 616394.
Short-rib thoracic dysplasia 10 with or without polydactyly (SRTD10). Identifiers: Orphanet 474, MedGen C3810175, MONDO:0014284, OMIM 615630.

Submission:

Labcorp Genetics (formerly Invitae), Labcorp
Classification: Uncertain significance for Retinitis pigmentosa 71; Short-rib thoracic dysplasia 10 with or without polydactyly. Last evaluated: 2022-09-27. Review status: criteria provided, single submitter. Criteria: Invitae Variant Classification Sherloc (09022015). Collection method: clinical testing. Allele origin: germline.
Comment: This sequence change replaces asparagine, which is neutral and polar, with aspartic acid, which is acidic and polar, at codon 208 of the IFT172 protein (p.Asn208Asp). This variant is not present in population databases (gnomAD no frequency). This variant has not been reported in the literature in individuals affected with IFT172-related conditions. ClinVar contains an entry for this variant (Variation ID: 1525711). Advanced modeling of protein sequence and biophysical properties (such as structural, functional, and spatial information, amino acid conservation, physicochemical variation, residue mobility, and thermodynamic stability) performed at Invitae indicates that this missense variant is not expected to disrupt IFT172 protein function. In summary, the available evidence is currently insufficient to determine the role of this variant in disease. Therefore, it has been classified as a Variant of Uncertain Significance.

NM_015662.3(IFT172):c.622A>G (p.Asn208Asp)

Gene: IFT172 (intraflagellar transport 172; minus strand). Cytogenetic location: 2p23.3.
Variant type: single nucleotide variant.
Coding change: c.622A>G on transcript NM_015662.3 (MANE Select); coding-DNA position 622, A replaced by G.
Protein change: p.Asn208Asp; replaces asparagine 208 with aspartic acid.
Molecular consequence: missense variant.
Genome position (GRCh38, 1-based): chr2:27,481,209, T>C on the plus strand (A>G on the coding strand, the complement: IFT172 is on the minus strand). VCF-style: chr2-27481209-T-C. GRCh37 (hg19) VCF-style: chr2-27704076-T-C.
Other names: short protein forms N208D.
Identifiers: ClinVar variation 1525711 (VCV001525711.3), dbSNP rs909930223, ClinGen allele CA44516283.